The following is an entry in ClinVar:

ClinVar aggregate classification (germline): Benign/Likely benign. Review status: criteria provided, multiple submitters, no conflicts (2 of 4 stars). 6 submissions from 6 submitters: Benign (1); Likely benign (5). Last evaluated 2025-12-29.

Conditions:
Hereditary diffuse gastric adenocarcinoma (HDGC). Also called: DIFFUSE GASTRIC AND LOBULAR BREAST CANCER SYNDROME. Identifiers: Orphanet 26106, MedGen C1708349, MONDO:0007648, OMIM 137215.
Hereditary cancer-predisposing syndrome. Also called: Neoplastic Syndromes, Hereditary; Tumor predisposition; Hereditary Cancer Syndrome; Hereditary neoplastic syndrome. Identifiers: Orphanet 140162, MedGen C0027672, MeSH D009386, MONDO:0015356.
CTNNA1-related disorder. Also called: CTNNA1-related condition.

Allele frequency attached by ClinVar (database versions not stated): gnomAD exomes 0.00001 and 0.00002; gnomAD 0.00002; TOPMed 0.00002.
gnomAD v4.1: 40 of 1,614,034 alleles (0.0025%); highest among the groups gnomAD compares: Middle Eastern, 0.016%; no homozygotes.

Submissions (6):

Center for Genomic Medicine, Rigshospitalet, Copenhagen University Hospital
Classification: Likely benign. Last evaluated: 2025-12-29. Review status: criteria provided, single submitter. Criteria: ACMG Guidelines, 2015. Collection method: clinical testing. Allele origin: germline.

PreventionGenetics, part of Exact Sciences
Classification: Likely benign for CTNNA1-related condition. Last evaluated: 2025-10-27. Review status: criteria provided, single submitter. Criteria: ACMG Guidelines, 2015. Collection method: clinical testing. Allele origin: germline.
Comment: This variant is classified as likely benign based on ACMG/AMP sequence variant interpretation guidelines (Richards et al. 2015 PMID: 25741868, with internal and published modifications).

Labcorp Genetics (formerly Invitae), Labcorp
Classification: Likely benign. Last evaluated: 2025-10-13. Review status: criteria provided, single submitter. Criteria: Invitae Variant Classification Sherloc (09022015). Collection method: clinical testing. Allele origin: germline.

Myriad Genetics, Inc.
Classification: Benign for Hereditary diffuse gastric adenocarcinoma. Last evaluated: 2024-10-11. Review status: criteria provided, single submitter. Criteria: Myriad Autosomal Dominant, Autosomal Recessive and X-Linked Classification Criteria (2023). Collection method: clinical testing. Allele origin: unknown.
Comment: This variant is considered benign. This variant is a silent/synonymous amino acid change and it is not expected to impact splicing.

Blueprint Genetics
Classification: Likely benign. Last evaluated: 2022-09-27. Review status: criteria provided, single submitter. Criteria: ACMG Guidelines, 2015. Collection method: clinical testing. Allele origin: germline.

Ambry Genetics
Classification: Likely benign for Hereditary cancer-predisposing syndrome. Last evaluated: 2020-01-08. Review status: criteria provided, single submitter. Criteria: Ambry Variant Classification Scheme 2023. Collection method: clinical testing. Allele origin: germline.

NM_001903.5(CTNNA1):c.1506C>T (p.Val502=)

Gene: CTNNA1 (catenin alpha 1; plus strand). Cytogenetic location: 5q31.2.
Variant type: single nucleotide variant.
Coding change: c.1506C>T on transcript NM_001903.5 (MANE Select); coding-DNA position 1506, C replaced by T.
Protein change: p.Val502=; no amino-acid change (valine 502 retained).
Molecular consequence: synonymous variant.
Genome position (GRCh38, 1-based): chr5:138,917,858, C>T. VCF-style: chr5-138917858-C-T. GRCh37 (hg19) VCF-style: chr5-138253547-C-T.
Other names: c.1506C>T, p.Val502= (NM_001290307.3, NM_001323982.2, NM_001323983.1 and 2 more transcripts); c.1197C>T, p.Val399= (NM_001290309.3); c.1137C>T, p.Val379= (NM_001290310.3); c.396C>T, p.Val132= (NM_001290312.1, NM_001323987.1, NM_001323988.1 and 17 more transcripts); c.1413C>T, p.Val471= (NM_001323986.2); c.57C>T, p.Val19= (NM_001324006.1, NM_001324007.1, NM_001324008.1 and 2 more transcripts); c.303C>T, p.Val101= (NM_001324011.1); c.153C>T, p.Val51= (NM_001324012.1, NM_001324013.1); and 1 more.
Identifiers: ClinVar variation 699756 (VCV000699756.17), dbSNP rs1060504516, ClinGen allele CA446596263.